The following is an entry in ClinVar:

NM_152296.5(ATP1A3):c.2187T>C (p.Ser729=)

Gene: ATP1A3 (ATPase Na+/K+ transporting subunit alpha 3; minus strand). Cytogenetic location: 19q13.2.
Variant type: single nucleotide variant.
Coding change: c.2187T>C on transcript NM_152296.5 (MANE Select); coding-DNA position 2187, T replaced by C.
Protein change: p.Ser729=; no amino-acid change (serine 729 retained).
Molecular consequence: synonymous variant.
Genome position (GRCh38, 1-based): chr19:41,975,705, A>G on the plus strand (T>C on the coding strand, the complement: ATP1A3 is on the minus strand). VCF-style: chr19-41975705-A-G. GRCh37 (hg19) VCF-style: chr19-42479857-A-G.
Other names: c.2220T>C, p.Ser740= (NM_001256213.2); c.2226T>C, p.Ser742= (NM_001256214.2).
Identifiers: ClinVar variation 4823394 (VCV004823394.4).

ClinVar aggregate classification (germline): Likely benign (1 of 4 stars; one submission).

Submission:

CeGaT Center for Human Genetics Tuebingen
Classification: Likely benign. Last evaluated: 2026-02-01. Review status: criteria provided, single submitter. Criteria: CeGaT Center For Human Genetics Tuebingen Variant Classification Criteria Version 2. Collection method: clinical testing. Allele origin: germline. Affected: yes. Observed: 1 variant allele.
Comment: ATP1A3: PM2:Supporting, BP4, BP7